The following is an entry in ClinVar:

ClinVar aggregate classification (germline): Uncertain significance (1 of 4 stars; one submission).

Allele frequency attached by ClinVar (database versions not stated): ExAC 0.00003; TOPMed 0.00004; ESP Exome Variant Server 0.00008; gnomAD 0.00008; 1000 Genomes Project 30x 0.00016; 1000 Genomes Project 0.00020.
gnomAD v4.1: 64 of 1,612,560 alleles (0.004%); highest among the groups gnomAD compares: African/African-American, 0.013%; no homozygotes.

Submission:

Labcorp Genetics (formerly Invitae), Labcorp
Classification: Uncertain significance. Last evaluated: 2025-08-25. Review status: criteria provided, single submitter. Criteria: Invitae Variant Classification Sherloc (09022015). Collection method: clinical testing. Allele origin: germline.
Comment: This sequence change replaces proline, which is neutral and non-polar, with leucine, which is neutral and non-polar, at codon 678 of the DLL1 protein (p.Pro678Leu). This variant is present in population databases (rs199728521, gnomAD 0.008%). This variant has not been reported in the literature in individuals affected with DLL1-related conditions. ClinVar contains an entry for this variant (Variation ID: 2083585). An algorithm developed to predict the effect of missense changes on protein structure and function (PolyPhen-2) suggests that this variant is likely to be tolerated. In summary, the available evidence is currently insufficient to determine the role of this variant in disease. Therefore, it has been classified as a Variant of Uncertain Significance.

NM_005618.4(DLL1):c.2033C>T (p.Pro678Leu)

Genes: DLL1 (delta like canonical Notch ligand 1; minus strand), LOC126859913 (P300/CBP strongly-dependent group 1 enhancer GRCh37_chr6:170591232-170592431; plus strand). Cytogenetic location: 6q27.
Variant type: single nucleotide variant.
Coding change: c.2033C>T on transcript NM_005618.4 (MANE Select); coding-DNA position 2033, C replaced by T.
Protein change: p.Pro678Leu; replaces proline 678 with leucine.
Molecular consequence: missense variant.
Genome position (GRCh38, 1-based): chr6:170,283,246, G>A on the plus strand (C>T on the coding strand, the complement: DLL1 is on the minus strand). VCF-style: chr6-170283246-G-A. GRCh37 (hg19) VCF-style: chr6-170592334-G-A.
Other names: short protein forms P678L.
Identifiers: ClinVar variation 2083585 (VCV002083585.4), dbSNP rs199728521, ClinGen allele CA4106650.